The following is an entry in ClinVar:

ClinVar aggregate classification (germline): Uncertain significance. Review status: criteria provided, multiple submitters, no conflicts (2 of 4 stars). 2 submissions from 2 submitters: Uncertain significance (2). Last evaluated 2025-05-25.

Conditions:
Inborn genetic diseases. Identifiers: MedGen C0950123, MeSH D030342.
Hypogonadotropic hypogonadism 1 with or without anosmia (HH1). Also called: HYPOGONADOTROPIC HYPOGONADISM AND ANOSMIA; Kallmann syndrome, type 1, X-linked; DYSPLASIA OLFACTOGENITALIS OF DE MORSIER; Hypogonadotropic hypogonadism 1 with or without anosmia (Kallmann syndrome 1); HYPOGONADOTROPIC HYPOGONADISM 1 WITH ANOSMIA; KAL1-Related GnRH Deficiency (Kallmann Syndrome 1; Kallmann Syndrome, X-Linked). Identifiers: Orphanet 478, MedGen C1563719, MONDO:0010635, OMIM 308700. Disease mechanism: loss of function.

gnomAD v4.1: 213 of 1,208,728 alleles (0.018%); highest among the groups gnomAD compares: Non-Finnish European, 0.023%; no homozygotes.

Submissions (2):

Labcorp Genetics (formerly Invitae), Labcorp
Classification: Uncertain significance for Hypogonadotropic hypogonadism 1 with or without anosmia. Last evaluated: 2025-05-25. Review status: criteria provided, single submitter. Criteria: Invitae Variant Classification Sherloc (09022015). Collection method: clinical testing. Allele origin: germline.
Comment: This sequence change replaces arginine, which is basic and polar, with leucine, which is neutral and non-polar, at codon 457 of the ANOS1 protein (p.Arg457Leu). The frequency data for this variant in the population databases is considered unreliable, as metrics indicate poor data quality at this position in the gnomAD database. This variant has not been reported in the literature in individuals affected with ANOS1-related conditions. ClinVar contains an entry for this variant (Variation ID: 3875320). Invitae Evidence Modeling of protein sequence and biophysical properties (such as structural, functional, and spatial information, amino acid conservation, physicochemical variation, residue mobility, and thermodynamic stability) indicates that this missense variant is not expected to disrupt ANOS1 protein function with a negative predictive value of 80%. Algorithms developed to predict the effect of sequence changes on RNA splicing suggest that this variant may disrupt the consensus splice site. In summary, the available evidence is currently insufficient to determine the role of this variant in disease. Therefore, it has been classified as a Variant of Uncertain Significance.

Ambry Genetics
Classification: Uncertain significance for Inborn genetic diseases. Last evaluated: 2025-01-09. Review status: criteria provided, single submitter. Criteria: Ambry Variant Classification Scheme 2023. Collection method: clinical testing. Allele origin: germline.

NM_000216.4(ANOS1):c.1370G>T (p.Arg457Leu)

Gene: ANOS1 (anosmin 1; minus strand). Cytogenetic location: Xp22.31.
Variant type: single nucleotide variant.
Coding change: c.1370G>T on transcript NM_000216.4 (MANE Select); coding-DNA position 1370, G replaced by T.
Protein change: p.Arg457Leu; replaces arginine 457 with leucine.
Molecular consequence: missense variant.
Genome position (GRCh38, 1-based): chrX:8,539,743, C>A on the plus strand (G>T on the coding strand, the complement: ANOS1 is on the minus strand). VCF-style: chrX-8539743-C-A. GRCh37 (hg19) VCF-style: chrX-8507784-C-A.
Other names: short protein forms R457L.
Identifiers: ClinVar variation 3875320 (VCV003875320.2).
Genomic context (GRCh38, chrX:8,539,743, plus strand): 5'-GCCTCTGATCCGGTTGTTCTGTTGTGGGCACACGCTTCAGGAAACCACCGCACATGATAT[C>A]GGTTGACAGTGGGATCTATAATGCCAAAACACGCAAACAAAAATAATAGGCTGGATGTTA-3'
Protein context (NP_000207.2, residues 447-467): WKKTEDPTVN[Arg457Leu]YHVRWFPEAC